The following is an entry in ClinVar:

NM_020884.7(MYH7B):c.5119C>T (p.Arg1707Ter)

Gene: MYH7B (myosin heavy chain 7B; plus strand). Cytogenetic location: 20q11.22.
Variant type: single nucleotide variant.
Coding change: c.5119C>T on transcript NM_020884.7 (MANE Select); coding-DNA position 5119, C replaced by T.
Protein change: p.Arg1707Ter; replaces arginine 1707 with a stop codon.
Molecular consequence: nonsense.
Genome position (GRCh38, 1-based): chr20:35,000,630, C>T. VCF-style: chr20-35000630-C-T. GRCh37 (hg19) VCF-style: chr20-33588433-C-T.
Other names: short protein forms R1707*.
Identifiers: ClinVar variation 5002504 (VCV005002504.1).

ClinVar aggregate classification (germline): Uncertain significance (1 of 4 stars; one submission).

Conditions:
MYH7B-related disorder. Also called: MYH7B-related condition.

gnomAD v4.1: 29 of 1,577,680 alleles (0.0018%); highest among the groups gnomAD compares: Admixed American, 0.021%; no homozygotes.

Submission:

PreventionGenetics, part of Exact Sciences
Classification: Uncertain significance for MYH7B-related condition. Last evaluated: 2025-09-09. Review status: criteria provided, single submitter. Criteria: ACMG Guidelines, 2015. Collection method: clinical testing. Allele origin: germline.
Comment: The MYH7B c.5245C>T variant is predicted to result in premature protein termination (p.Arg1749*). To our knowledge, this variant has not been reported in the literature. This variant is reported in 0.029% of alleles in individuals of Latino descent in gnomAD. At this time, the clinical significance of this variant is uncertain due to the absence of conclusive functional and genetic evidence.